The following is an entry in ClinVar:

NM_080680.3(COL11A2):c.2551C>A (p.Pro851Thr)

Gene: COL11A2 (collagen type XI alpha 2 chain; minus strand). Cytogenetic location: 6p21.32.
Variant type: single nucleotide variant.
Coding change: c.2551C>A on transcript NM_080680.3 (MANE Select); coding-DNA position 2551, C replaced by A.
Protein change: p.Pro851Thr; replaces proline 851 with threonine.
Molecular consequence: missense variant.
Genome position (GRCh38, 1-based): chr6:33,173,905, G>T on the plus strand (C>A on the coding strand, the complement: COL11A2 is on the minus strand). VCF-style: chr6-33173905-G-T. GRCh37 (hg19) VCF-style: chr6-33141682-G-T.
Other names: c.2230C>A, p.Pro744Thr (NM_080679.3); c.2293C>A, p.Pro765Thr (NM_080681.3); short protein forms P744T, P851T, P765T.
Identifiers: ClinVar variation 1375599 (VCV001375599.8), dbSNP rs2150558490, ClinGen allele CA363643069.
Genomic context (GRCh38, chr6:33,173,905, plus strand): 5'-CAGTTGGAGCCTTGTAGAGACCATTCACCTTAGCTCCAGACTTCCCAGTGGCACCTCGGG[G>T]TCCCCGCTGACCCCGTGGACCCTACAGAGGGAAGAGGAGTTGTCAGAGAAACCCAAATGC-3'
Protein context (NP_542411.2, residues 841-861): GPTGPRGQRG[Pro851Thr]RGATGKSGAK

ClinVar aggregate classification (germline): Uncertain significance (1 of 4 stars; one submission).

Submission:

Labcorp Genetics (formerly Invitae), Labcorp
Classification: Uncertain significance. Last evaluated: 2023-10-09. Review status: criteria provided, single submitter. Criteria: Invitae Variant Classification Sherloc (09022015). Collection method: clinical testing. Allele origin: germline.
Comment: This sequence change replaces proline, which is neutral and non-polar, with threonine, which is neutral and polar, at codon 851 of the COL11A2 protein (p.Pro851Thr). This variant is not present in population databases (gnomAD no frequency). This variant has not been reported in the literature in individuals affected with COL11A2-related conditions. ClinVar contains an entry for this variant (Variation ID: 1375599). Advanced modeling of protein sequence and biophysical properties (such as structural, functional, and spatial information, amino acid conservation, physicochemical variation, residue mobility, and thermodynamic stability) performed at Invitae indicates that this missense variant is not expected to disrupt COL11A2 protein function. In summary, the available evidence is currently insufficient to determine the role of this variant in disease. Therefore, it has been classified as a Variant of Uncertain Significance.